The following is an entry in ClinVar:

ClinVar aggregate classification (germline): Uncertain significance (1 of 4 stars; one submission).

Submission:

Labcorp Genetics (formerly Invitae), Labcorp
Classification: Uncertain significance. Last evaluated: 2024-08-02. Review status: criteria provided, single submitter. Criteria: Invitae Variant Classification Sherloc (09022015). Collection method: clinical testing. Allele origin: germline.
Comment: This variant, c.1825_1827del, results in the deletion of 1 amino acid(s) of the PHF21A protein (p.Lys609del), but otherwise preserves the integrity of the reading frame. This variant is not present in population databases (gnomAD no frequency). This variant has not been reported in the literature in individuals affected with PHF21A-related conditions. Experimental studies and prediction algorithms are not available or were not evaluated, and the functional significance of this variant is currently unknown. In summary, the available evidence is currently insufficient to determine the role of this variant in disease. Therefore, it has been classified as a Variant of Uncertain Significance.

NM_001352027.3(PHF21A):c.1828_1830del (p.Lys610del)

Gene: PHF21A (PHD finger protein 21A; minus strand). Cytogenetic location: 11p11.2.
Variant type: Deletion.
Coding change: c.1828_1830del on transcript NM_001352027.3 (MANE Select); coding-DNA positions 1828 to 1830, 3 bases deleted (AAG; older notation c.1828_1830delAAG).
Protein change: p.Lys610del; deletes lysine 610.
Molecular consequence: non-coding transcript variant (on NR_147890.3).
Genome position (GRCh38, 1-based): chr11:45,934,184-45,934,186, CTT deleted on the plus strand (AAG on the coding strand, the reverse complement: PHF21A is on the minus strand); deleting any 3 consecutive bases within chr11:45,934,184-45,934,188 gives the same sequence; the c. name uses the placement nearest the transcript's 3' end. VCF-style (leftmost placement, unchanged base first): chr11-45934183-CCTT-C. GRCh37 (hg19) VCF-style: chr11-45955734-CCTT-C.
Other names: c.1825_1827del, p.Lys609del (NM_001101802.3); c.1828_1830del, p.Lys610del (NM_001352025.3, NM_001352026.3); c.1687_1689del, p.Lys563del (NM_001352028.1, NM_001352029.1, NM_016621.5); c.1684_1686del, p.Lys562del (NM_001352030.3, NM_001352031.3, NM_001352032.3); short protein forms K562del, K563del, K609del, K610del.
Identifiers: ClinVar variation 3658107 (VCV003658107.2).